The following is an entry in ClinVar:

ClinVar aggregate classification (germline): Benign/Likely benign. Review status: criteria provided, multiple submitters, no conflicts (2 of 4 stars). 9 submissions from 9 submitters: Benign (5); Likely benign (2). 2 of the submissions do not count toward it. Last evaluated 2026-02-02.

Conditions:
LOXHD1-related disorder. Also called: LOXHD1-related condition.
Autosomal recessive nonsyndromic hearing loss 77. Identifiers: Orphanet 90636, MedGen C2746083, MONDO:0013119, OMIM 613079.

Allele frequency attached by ClinVar (database versions not stated): ESP Exome Variant Server 0.01927; TOPMed 0.02104; 1000 Genomes Project 30x 0.02155; 1000 Genomes Project 0.02157.
gnomAD v4.1: 5,557 of 1,551,636 alleles (0.36%); highest among the groups gnomAD compares: African/African-American, 6.5%; 180 homozygotes.

Submissions (9):

Labcorp Genetics (formerly Invitae), Labcorp
Classification: Benign. Last evaluated: 2026-02-02. Review status: criteria provided, single submitter. Criteria: Invitae Variant Classification Sherloc (09022015). Collection method: clinical testing. Allele origin: germline.

Mayo Clinic Laboratories, Mayo Clinic
Classification: Benign. Last evaluated: 2020-10-05. Review status: criteria provided, single submitter. Criteria: ACMG Guidelines, 2015. Collection method: clinical testing. Allele origin: germline. Observed: 3 variant alleles.

Athena Diagnostics
Classification: Benign. Last evaluated: 2018-11-12. Review status: criteria provided, single submitter. Criteria: Athena Diagnostics Criteria. Collection method: clinical testing. Allele origin: germline.

GeneDx
Classification: Benign. Last evaluated: 2018-02-16. Review status: criteria provided, single submitter. Criteria: GeneDx Variant Classification (06012015). Collection method: clinical testing. Allele origin: germline. Affected: yes.
Comment: This variant is considered likely benign or benign based on one or more of the following criteria: it is a conservative change, it occurs at a poorly conserved position in the protein, it is predicted to be benign by multiple in silico algorithms, and/or has population frequency not consistent with disease.

Illumina Laboratory Services, Illumina
Classification: Likely benign for Autosomal recessive nonsyndromic hearing loss 77. Last evaluated: 2018-01-12. Review status: criteria provided, single submitter. Criteria: ICSL Variant Classification Criteria 13 December 2019. Collection method: clinical testing. Allele origin: germline.
Comment: This variant was observed in the ICSL laboratory as part of a predisposition screen in an ostensibly healthy population. It had not been previously curated by ICSL or reported in the Human Gene Mutation Database (HGMD: prior to June 1st, 2018), and was therefore a candidate for classification through an automated scoring system. Utilizing variant allele frequency, disease prevalence and penetrance estimates, and inheritance mode, an automated score was calculated to assess if this variant is too frequent to cause the disease. Based on the score and internal cut-off values, a variant classified as likely benign is not then subjected to further curation. The score for this variant resulted in a classification of likely benign for this disease.

Laboratory for Molecular Medicine, Mass General Brigham Personalized Medicine
Classification: Benign. Last evaluated: 2012-05-07. Review status: criteria provided, single submitter. Criteria: LMM Criteria. Collection method: clinical testing. Allele origin: germline. Observed: 26 variant alleles.
Comment: Thr1383Met in Exon 27 of LOXHD1: This variant is not expected to have clinical s ignificance because it has been identified in 6.7% (47/702) of African American chromosomes from a broad population by the NHLBI Exome Sequencing Project (dbSNP rs7244681).

Breakthrough Genomics
Classification: Likely benign. Review status: criteria provided, single submitter. Criteria: ACMG Guidelines, 2015. Collection method: not provided. Allele origin: germline. Inheritance: Autosomal recessive inheritance. Affected: yes.

Natera, Inc.
Classification: Benign for Autosomal recessive deafness type 77. Last evaluated: 2020-06-15. Review status: no assertion criteria provided. Collection method: clinical testing. Allele origin: germline. Not counted in ClinVar's aggregate classification.

PreventionGenetics, part of Exact Sciences
Classification: Benign for LOXHD1-related condition. Last evaluated: 2019-02-19. Review status: no assertion criteria provided. Collection method: clinical testing. Allele origin: germline. Not counted in ClinVar's aggregate classification.
Comment: This variant is classified as benign based on ACMG/AMP sequence variant interpretation guidelines (Richards et al. 2015 PMID: 25741868, with internal and published modifications).

NM_001384474.1(LOXHD1):c.4148C>T (p.Thr1383Met)

Gene: LOXHD1 (lipoxygenase homology PLAT domains 1; minus strand). Cytogenetic location: 18q21.1.
Variant type: single nucleotide variant.
Coding change: c.4148C>T on transcript NM_001384474.1 (MANE Select); coding-DNA position 4148, C replaced by T.
Protein change: p.Thr1383Met; replaces threonine 1383 with methionine.
Molecular consequence: missense variant.
Genome position (GRCh38, 1-based): chr18:46,534,399, G>A on the plus strand (C>T on the coding strand, the complement: LOXHD1 is on the minus strand). VCF-style: chr18-46534399-G-A. GRCh37 (hg19) VCF-style: chr18-44114362-G-A.
Other names: c.815C>T, p.Thr272Met (NM_001145472.3); c.527C>T, p.Thr176Met (NM_001308013.2); c.4148C>T, p.Thr1383Met (NM_144612.7); short protein forms T1383M, T272M, T176M.
Identifiers: ClinVar variation 47937 (VCV000047937.25), dbSNP rs7244681, ClinGen allele CA142220.